The following is an entry in ClinVar:

NM_007055.4(POLR3A):c.2471A>C (p.His824Pro)

Gene: POLR3A (RNA polymerase III subunit A; minus strand). Cytogenetic location: 10q22.3.
Variant type: single nucleotide variant.
Coding change: c.2471A>C on transcript NM_007055.4 (MANE Select); coding-DNA position 2471, A replaced by C.
Protein change: p.His824Pro; replaces histidine 824 with proline.
Molecular consequence: missense variant.
Genome position (GRCh38, 1-based): chr10:78,000,983, T>G on the plus strand (A>C on the coding strand, the complement: POLR3A is on the minus strand). VCF-style: chr10-78000983-T-G. GRCh37 (hg19) VCF-style: chr10-79760741-T-G.
Other names: short protein forms H824P.
Identifiers: ClinVar variation 590969 (VCV000590969.3), dbSNP rs1564617866, ClinGen allele CA377336171.

ClinVar aggregate classification (germline): Likely pathogenic (1 of 4 stars; one submission).

Conditions:
Leukodystrophy, hypomyelinating, 4. Also called: MITCHAP60 DISEASE; MITOCHONDRIAL HSP60 CHAPERONOPATHY. Identifiers: Orphanet 280270, Orphanet 280288, MedGen C2677109, MONDO:0012824, OMIM 612233.

Submission:

Consultorio y Laboratorio de Neurogenética, Hospital JM Ramos Mejia
Classification: Likely pathogenic for Leukodystrophy, hypomyelinating, 4. Last evaluated: 2018-10-29. Review status: criteria provided, single submitter. Criteria: Submitter's publication. Collection method: research. Allele origin: de novo. Inheritance: Sporadic. Affected: yes.
Comment: The variant NM_007055.3:c.2471A>C in the POLR3A gene has not been previously reported in public databases. We consider that this variant is probably pathogenic because it is found in a coding and critical region for the correct expression of this gene; besides that other variants have been reported in nearby regions of the gene in patients with 4H leukodystrophy (Bernard et al., 2017).